The following is an entry in ClinVar:

ClinVar aggregate classification (germline): Uncertain significance. Review status: criteria provided, multiple submitters, no conflicts (2 of 4 stars). 3 submissions from 3 submitters: Uncertain significance (3). Last evaluated 2024-12-08.

Conditions:
CEP164-related disorder. Also called: CEP164-related condition.
Nephronophthisis 15 (NPHP15). Identifiers: Orphanet 3156, MedGen C3541853, MONDO:0013917, OMIM 614845.

Allele frequency attached by ClinVar (database versions not stated): gnomAD exomes below 0.00001; ExAC 0.00001.
gnomAD v4.1: 2 of 1,608,888 alleles (0.00012%); highest among the groups gnomAD compares: Admixed American, 0.0017%; no homozygotes.

Submissions (3):

PreventionGenetics, part of Exact Sciences
Classification: Uncertain significance for CEP164-related condition. Last evaluated: 2024-12-08. Review status: criteria provided, single submitter. Criteria: ACMG Guidelines, 2015. Collection method: clinical testing. Allele origin: germline.
Comment: The CEP164 c.4024C>T variant is predicted to result in the amino acid substitution p.Pro1342Ser. To our knowledge, this variant has not been reported in the literature. This variant is reported in 0.0029% of alleles in individuals of Latino descent in gnomAD. At this time, the clinical significance of this variant is uncertain due to the absence of conclusive functional and genetic evidence.

Fulgent Genetics
Classification: Uncertain significance for Nephronophthisis 15. Last evaluated: 2021-12-03. Review status: criteria provided, single submitter. Criteria: ACMG Guidelines, 2015. Collection method: clinical testing. Allele origin: unknown.

Labcorp Genetics (formerly Invitae), Labcorp
Classification: Uncertain significance for Nephronophthisis 15. Last evaluated: 2021-10-10. Review status: criteria provided, single submitter. Criteria: Invitae Variant Classification Sherloc (09022015). Collection method: clinical testing. Allele origin: germline.
Comment: In summary, the available evidence is currently insufficient to determine the role of this variant in disease. Therefore, it has been classified as a Variant of Uncertain Significance. Algorithms developed to predict the effect of missense changes on protein structure and function output the following: SIFT: "Tolerated"; PolyPhen-2: "Possibly Damaging"; Align-GVGD: "Class C0". The serine amino acid residue is found in multiple mammalian species, which suggests that this missense change does not adversely affect protein function. This variant has not been reported in the literature in individuals affected with CEP164-related conditions. This variant is present in population databases (rs769315243, ExAC 0.009%). This sequence change replaces proline with serine at codon 1342 of the CEP164 protein (p.Pro1342Ser). The proline residue is moderately conserved and there is a moderate physicochemical difference between proline and serine.

NM_014956.5(CEP164):c.4024C>T (p.Pro1342Ser)

Gene: CEP164 (centrosomal protein 164; plus strand). Cytogenetic location: 11q23.3.
Variant type: single nucleotide variant.
Coding change: c.4024C>T on transcript NM_014956.5 (MANE Select); coding-DNA position 4024, C replaced by T.
Protein change: p.Pro1342Ser; replaces proline 1342 with serine.
Molecular consequence: missense variant.
Genome position (GRCh38, 1-based): chr11:117,409,893, C>T. VCF-style: chr11-117409893-C-T. GRCh37 (hg19) VCF-style: chr11-117280609-C-T.
Other names: c.4024C>T (NM_014956.4); c.4009C>T, p.Pro1337Ser (NM_001271933.2); short protein forms P1337S, P1342S.
Identifiers: ClinVar variation 1493904 (VCV001493904.6), dbSNP rs769315243, ClinGen allele CA6295649.
Genomic context (GRCh38, chr11:117,409,893, plus strand): 5'-TCAGCCTTATCATCTGCTACACCCACGTCCACCCAATGGGCCTGGGATTCAGGGCAGGGG[C>T]CCAGGCTCCCCTCCTCTGTGGCTCAAACGGTGGACGACTTCCTGTTGGAGAAGTGGCGCA-3'
Protein context (NP_055771.4, residues 1332-1352): TQWAWDSGQG[Pro1342Ser]RLPSSVAQTV